The following is an entry in ClinVar:

ClinVar aggregate classification (germline): Likely pathogenic. Review status: criteria provided, single submitter (1 of 4 stars). 2 submissions from 2 submitters: Likely pathogenic (1). 1 of the submissions does not count toward it. Last evaluated 2025-03-13.

Conditions:
Hereditary spastic paraplegia 61. Also called: Spastic paraplegia 61, autosomal recessive. Identifiers: Orphanet 401780, MedGen C3810294, MONDO:0014304, OMIM 615685.

Submissions (2):

GeneDx
Classification: Likely pathogenic. Last evaluated: 2025-03-13. Review status: criteria provided, single submitter. Criteria: GeneDx Variant Classification Process June 2021. Collection method: clinical testing. Allele origin: germline. Affected: yes.
Comment: Frameshift variant predicted to result in protein extension as the last 11 amino acids are replaced with 36 different amino acids, and no other loss-of-function variants have been reported downstream in HGMD; Not observed at significant frequency in large population cohorts (gnomAD); This variant is associated with the following publications: (PMID: 28471035, 24482476)

OMIM
Classification: Pathogenic for SPASTIC PARAPLEGIA 61, AUTOSOMAL RECESSIVE. Last evaluated: 2014-01-31. Review status: no assertion criteria provided. Collection method: literature only. Allele origin: germline. Not counted in ClinVar's aggregate classification.

Literature cited by the submitters: PubMed 24482476 (cited by OMIM).

NM_015161.3(ARL6IP1):c.577_580del (p.Lys193fs)

Gene: ARL6IP1 (ARL6 interacting reticulophagy regulator 1; minus strand). Cytogenetic location: 16p12.3.
Variant type: Microsatellite.
Coding change: c.577_580del on transcript NM_015161.3 (MANE Select); coding-DNA positions 577 to 580, 4 bases deleted (AAAC; older notation c.577_580delAAAC).
Protein change: p.Lys193fs; shifts the reading frame from lysine 193.
Molecular consequence: frameshift variant.
Genome position (GRCh38, 1-based): chr16:18,793,284-18,793,287, GTTT deleted on the plus strand (AAAC on the coding strand, the reverse complement: ARL6IP1 is on the minus strand); deleting any 4 consecutive bases within chr16:18,793,284-18,793,291 gives the same sequence; the c. name uses the placement nearest the transcript's 3' end. VCF-style (leftmost placement, unchanged base first): chr16-18793283-AGTTT-A. GRCh37 (hg19) VCF-style: chr16-18804605-AGTTT-A.
Other names: c.490_493del, p.Lys164fs (NM_001313858.1); c.577_580del (NM_015161.1); short protein forms K193fs, K164fs.
Identifiers: ClinVar variation 101079 (VCV000101079.6), dbSNP rs879255572, ClinGen allele CA10575626.